The following is an entry in ClinVar:

NM_000050.4(ASS1):c.-113_-112delinsTT

Gene: ASS1 (argininosuccinate synthase 1; plus strand). Cytogenetic location: 9q34.11.
Variant type: Indel.
Coding change: c.-113_-112delinsTT on transcript NM_000050.4; 113 bases upstream of the start codon through 112 bases upstream of the start codon, CC replaced by TT.
Molecular consequence: 5 prime UTR variant.
Genome position (GRCh38, 1-based): chr9:130,444,950-130,444,951, CC replaced by TT. VCF-style: chr9-130444950-CC-TT. GRCh37 (hg19) VCF-style: chr9-133320337-CC-TT.
Other names: c.-113_-112delCCinsTT (NM_000050.4).
Identifiers: ClinVar variation 517811 (VCV000517811.3), dbSNP rs1554980950, ClinGen allele CA658797303.

ClinVar aggregate classification (germline): Likely benign (1 of 4 stars; one submission).

Submission:

GeneDx
Classification: Likely benign. Last evaluated: 2017-03-22. Review status: criteria provided, single submitter. Criteria: GeneDx Variant Classification (06012015). Collection method: clinical testing. Allele origin: germline. Affected: yes.
Comment: This variant is considered likely benign or benign based on one or more of the following criteria: it is a conservative change, it occurs at a poorly conserved position in the protein, it is predicted to be benign by multiple in silico algorithms, and/or has population frequency not consistent with disease.